The following is an entry in ClinVar:

ClinVar aggregate classification (germline): Benign (1 of 4 stars; one submission).

Conditions:
Congenital defect of folate absorption. Also called: Hereditary Folate Malabsorption. Identifiers: Orphanet 90045, MedGen C0342705, MONDO:0009238, OMIM 229050.

Allele frequency attached by ClinVar (database versions not stated): gnomAD 0.00050 and 0.00106; TOPMed 0.00112; gnomAD exomes 0.00177; 1000 Genomes Project 30x 0.00515; 1000 Genomes Project 0.00619.
gnomAD v4.1: 161 of 152,950 alleles (0.11%); highest among the groups gnomAD compares: East Asian, 2.4%; 4 homozygotes.

Submission:

Illumina Laboratory Services, Illumina
Classification: Benign for Congenital defect of folate absorption. Last evaluated: 2018-01-13. Review status: criteria provided, single submitter. Criteria: ICSL Variant Classification Criteria 13 December 2019. Collection method: clinical testing. Allele origin: germline.
Comment: This variant was observed in the ICSL laboratory as part of a predisposition screen in an ostensibly healthy population. It had not been previously curated by ICSL or reported in the Human Gene Mutation Database (HGMD: prior to June 1st, 2018), and was therefore a candidate for classification through an automated scoring system. Utilizing variant allele frequency, disease prevalence and penetrance estimates, and inheritance mode, an automated score was calculated to assess if this variant is too frequent to cause the disease. Based on the score and internal cut-off values, a variant classified as benign is not then subjected to further curation. The score for this variant resulted in a classification of benign for this disease.

NM_080669.6(SLC46A1):c.*1774A>G

Genes: SARM1 (sterile alpha and TIR motif containing 1; plus strand), SLC46A1 (solute carrier family 46 member 1; minus strand). Cytogenetic location: 17q11.2.
Variant type: single nucleotide variant.
Coding change: c.*1774A>G on transcript NM_080669.6 (MANE Select); 1774 bases downstream of the stop codon, A replaced by G.
Molecular consequence: 3 prime UTR variant.
Genome position (GRCh38, 1-based): chr17:28,397,882, T>C on the plus strand (A>G on the coding strand, the complement: SLC46A1 is on the minus strand). VCF-style: chr17-28397882-T-C. GRCh37 (hg19) VCF-style: chr17-26724898-T-C.
Other names: c.*1774A>G (NM_001242366.3); c.*1596T>C (NM_015077.4).
Identifiers: ClinVar variation 322380 (VCV000322380.5), dbSNP rs2239909, ClinGen allele CA10648865.